The following is an entry in ClinVar:

NM_005475.3(SH2B3):c.871G>A (p.Asp291Asn)

Gene: SH2B3 (SH2B adaptor protein 3; plus strand). Cytogenetic location: 12q24.12.
Variant type: single nucleotide variant.
Coding change: c.871G>A on transcript NM_005475.3 (MANE Select); coding-DNA position 871, G replaced by A.
Protein change: p.Asp291Asn; replaces aspartic acid 291 with asparagine.
Molecular consequence: missense variant.
Genome position (GRCh38, 1-based): chr12:111,446,978, G>A. VCF-style: chr12-111446978-G-A. GRCh37 (hg19) VCF-style: chr12-111884782-G-A.
Other names: c.265G>A, p.Asp89Asn (NM_001291424.1); short protein forms D291N, D89N.
Identifiers: ClinVar variation 5029516 (VCV005029516.1).

ClinVar aggregate classification (germline): Uncertain significance (1 of 4 stars; one submission).

Conditions:
Inborn genetic diseases. Identifiers: MedGen C0950123, MeSH D030342.

Submission:

Ambry Genetics
Classification: Uncertain significance for Inborn genetic diseases. Last evaluated: 2026-08-31. Review status: criteria provided, single submitter. Criteria: Ambry Variant Classification Scheme 2023. Collection method: clinical testing. Allele origin: germline.
Comment: The p.D291N variant (also known as c.871G>A), located in coding exon 3 of the SH2B3 gene, results from a G to A substitution at nucleotide position 871. The aspartic acid at codon 291 is replaced by asparagine, an amino acid with highly similar properties. This amino acid position is conserved. In addition, this alteration is predicted to be tolerated by in silico analysis. Based on the available evidence, the clinical significance of this variant remains unclear.